The following is an entry in ClinVar:

ClinVar aggregate classification (germline): Uncertain significance (1 of 4 stars; one submission).

Conditions:
Familial thoracic aortic aneurysm and aortic dissection (TAAD). Also called: Thoracic aortic aneurysms and dissections. Identifiers: Orphanet 91387, MedGen C4707243, MONDO:0019625.

Allele frequency attached by ClinVar (database versions not stated): gnomAD exomes below 0.00001; gnomAD 0.00001; 1000 Genomes Project 30x 0.00016; 1000 Genomes Project 0.00020.
gnomAD v4.1: 6 of 1,610,048 alleles (0.00037%); highest among the groups gnomAD compares: East Asian, 0.0045%; no homozygotes.

Submission:

All of Us Research Program, National Institutes of Health
Classification: Uncertain significance for Familial thoracic aortic aneurysm and aortic dissection. Last evaluated: 2023-08-23. Review status: criteria provided, single submitter. Criteria: ACMG Guidelines, 2015. Collection method: clinical testing. Allele origin: germline. Inheritance: Autosomal dominant inheritance. Observed: 1 variant allele, 1 heterozygote.
Comment: This missense variant replaces isoleucine with threonine at codon 366 of the MYH11 protein. Computational prediction suggests that this variant may have deleterious impact on protein structure and function (internally defined REVEL score threshold >= 0.7, PMID: 27666373). To our knowledge, functional studies have not been reported for this variant. This variant has not been reported in individuals affected with MYH11-related disorders in the literature. This variant has been identified in 2/251310 chromosomes in the general population by the Genome Aggregation Database (gnomAD). The available evidence is insufficient to determine the role of this variant in disease conclusively. Therefore, this variant is classified as a Variant of Uncertain Significance.

This study involves interpretation of variants in research participants for the purpose of population health screening. Participant phenotype was not available at the time of variant classification. Additional details can be found in publication PMID: 35346344, PMCID: PMC8962531

NM_002474.3(MYH11):c.1076T>C (p.Ile359Thr)

Gene: MYH11 (myosin heavy chain 11; minus strand). Cytogenetic location: 16p13.11.
Variant type: single nucleotide variant.
Coding change: c.1076T>C on transcript NM_002474.3 (MANE Select); coding-DNA position 1076, T replaced by C.
Protein change: p.Ile359Thr; replaces isoleucine 359 with threonine.
Molecular consequence: missense variant.
Genome position (GRCh38, 1-based): chr16:15,763,849, A>G on the plus strand (T>C on the coding strand, the complement: MYH11 is on the minus strand). VCF-style: chr16-15763849-A-G. GRCh37 (hg19) VCF-style: chr16-15857706-A-G.
Other names: c.1097T>C, p.Ile366Thr (NM_001040113.2, NM_001040114.2); c.1076T>C, p.Ile359Thr (NM_022844.3); short protein forms I359T, I366T.
Identifiers: ClinVar variation 3073052 (VCV003073052.1), dbSNP rs201658620, ClinGen allele CA278591880.